The following is an entry in ClinVar:

NM_002637.4(PHKA1):c.1746C>G (p.Ile582Met)

Gene: PHKA1 (phosphorylase kinase regulatory subunit alpha 1; minus strand). Cytogenetic location: Xq13.1.
Variant type: single nucleotide variant.
Coding change: c.1746C>G on transcript NM_002637.4 (MANE Select); coding-DNA position 1746, C replaced by G.
Protein change: p.Ile582Met; replaces isoleucine 582 with methionine.
Molecular consequence: missense variant.
Genome position (GRCh38, 1-based): chrX:72,627,018, G>C on the plus strand (C>G on the coding strand, the complement: PHKA1 is on the minus strand). VCF-style: chrX-72627018-G-C. GRCh37 (hg19) VCF-style: chrX-71846868-G-C.
Other names: c.1746C>G, p.Ile582Met (NM_001122670.2, NM_001172436.2); short protein forms I582M.
Identifiers: ClinVar variation 1944927 (VCV001944927.5), dbSNP rs2053084765, ClinGen allele CA413591792.

ClinVar aggregate classification (germline): Uncertain significance (1 of 4 stars; one submission).

Conditions:
Glycogen storage disease IXd (GSD9D). Also called: GSD IXd; Muscle Phosphorylase Kinase Deficiency. Identifiers: Orphanet 715, MedGen C1845151, MONDO:0010362, OMIM 300559.

Allele frequency attached by ClinVar (database versions not stated): gnomAD 0.00001; TOPMed 0.00001.
gnomAD v4.1: 1 of 1,207,724 alleles (0.000083%); highest among the groups gnomAD compares: Non-Finnish European, 0.00011%; no homozygotes.

Submission:

Labcorp Genetics (formerly Invitae), Labcorp
Classification: Uncertain significance for Glycogen storage disease IXd. Last evaluated: 2022-07-15. Review status: criteria provided, single submitter. Criteria: Invitae Variant Classification Sherloc (09022015). Collection method: clinical testing. Allele origin: germline.
Comment: This sequence change replaces isoleucine, which is neutral and non-polar, with methionine, which is neutral and non-polar, at codon 582 of the PHKA1 protein (p.Ile582Met). This variant is not present in population databases (gnomAD no frequency). This variant has not been reported in the literature in individuals affected with PHKA1-related conditions. Algorithms developed to predict the effect of missense changes on protein structure and function (SIFT, PolyPhen-2, Align-GVGD) all suggest that this variant is likely to be tolerated. In summary, the available evidence is currently insufficient to determine the role of this variant in disease. Therefore, it has been classified as a Variant of Uncertain Significance.